The following is an entry in ClinVar:

NM_021008.4(DEAF1):c.890T>C (p.Phe297Ser)

Gene: DEAF1 (DEAF1 transcription factor; minus strand). Cytogenetic location: 11p15.5.
Variant type: single nucleotide variant.
Coding change: c.890T>C on transcript NM_021008.4 (MANE Select); coding-DNA position 890, T replaced by C.
Protein change: p.Phe297Ser; replaces phenylalanine 297 with serine.
Molecular consequence: missense variant. On other transcripts: intron variant (1).
Genome position (GRCh38, 1-based): chr11:681,070, A>G on the plus strand (T>C on the coding strand, the complement: DEAF1 is on the minus strand). VCF-style: chr11-681070-A-G. GRCh37 (hg19) VCF-style: chr11-681070-A-G.
Other names: c.164T>C, p.Phe55Ser (NM_001367390.1, NM_001440885.1, NM_001440886.1 and 1 more transcripts); c.890T>C, p.Phe297Ser (NM_001440883.1, NM_001440884.1); c.731-1254T>C (NM_001293634.2); short protein forms F297S, F55S.
Identifiers: ClinVar variation 521998 (VCV000521998.9), dbSNP rs1390761338, ClinGen allele CA378928599.

ClinVar aggregate classification (germline): Conflicting classifications of pathogenicity. Review status: criteria provided, conflicting classifications (1 of 4 stars). 3 submissions from 3 submitters: Pathogenic (2); Uncertain significance (1). Last evaluated 2025-01-06.

Conditions:
Inborn genetic diseases. Identifiers: MedGen C0950123, MeSH D030342.

Allele frequency attached by ClinVar (database versions not stated): gnomAD exomes below 0.00001.

Submissions (3):

Labcorp Genetics (formerly Invitae), Labcorp
Classification: Pathogenic. Last evaluated: 2025-01-06. Review status: criteria provided, single submitter. Criteria: Invitae Variant Classification Sherloc (09022015). Collection method: clinical testing. Allele origin: germline.
Comment: This sequence change replaces phenylalanine, which is neutral and non-polar, with serine, which is neutral and polar, at codon 297 of the DEAF1 protein (p.Phe297Ser). This variant is present in population databases (no rsID available, gnomAD no frequency). This missense change has been observed in individual(s) with DEAF1-related conditions (PMID: 35981081). In at least one individual the variant was observed to be de novo. ClinVar contains an entry for this variant (Variation ID: 521998). Invitae Evidence Modeling of protein sequence and biophysical properties (such as structural, functional, and spatial information, amino acid conservation, physicochemical variation, residue mobility, and thermodynamic stability) indicates that this missense variant is expected to disrupt DEAF1 protein function with a positive predictive value of 95%. Experimental studies have shown that this missense change affects DEAF1 function (PMID: 35981081). For these reasons, this variant has been classified as Pathogenic.

GeneDx
Classification: Pathogenic. Last evaluated: 2023-03-07. Review status: criteria provided, single submitter. Criteria: GeneDx Variant Classification Process June 2021. Collection method: clinical testing. Allele origin: germline. Affected: yes.
Comment: Published functional studies demonstrate F297S results in a dominant-negative effect (McGee et al., 2023); In silico analysis supports that this missense variant has a deleterious effect on protein structure/function; This variant is associated with the following publications: (PMID: 35981081)

Ambry Genetics
Classification: Uncertain significance for Inborn genetic diseases. Last evaluated: 2017-08-03. Review status: criteria provided, single submitter. Criteria: Ambry exome assertion method (8-5-2015). Collection method: clinical testing. Allele origin: germline. Affected: yes. Observed: 1 variant allele.

Literature cited by the submitters: PubMed 35981081 (cited by Labcorp Genetics (formerly Invitae), Labcorp).